The following is an entry in ClinVar:

NM_014251.3(SLC25A13):c.255G>A (p.Leu85=)

Gene: SLC25A13 (solute carrier family 25 member 13; minus strand). Cytogenetic location: 7q21.3.
Variant type: single nucleotide variant.
Coding change: c.255G>A on transcript NM_014251.3 (MANE Select); coding-DNA position 255, G replaced by A.
Protein change: p.Leu85=; no amino-acid change (leucine 85 retained).
Molecular consequence: synonymous variant.
Genome position (GRCh38, 1-based): chr7:96,234,875, C>T on the plus strand (G>A on the coding strand, the complement: SLC25A13 is on the minus strand). VCF-style: chr7-96234875-C-T. GRCh37 (hg19) VCF-style: chr7-95864187-C-T.
Other names: c.255G>A (NM_014251.2); c.255G>A, p.Leu85= (NM_001160210.2).
Identifiers: ClinVar variation 1116805 (VCV001116805.10), dbSNP rs369071668, ClinGen allele CA4353351.
Genomic context (GRCh38, chr7:96,234,875, plus strand): 5'-TCCTTTGCCAGCTTTGTCAAACAGCTGAAAGGCTACCATAAACAAAGCATCAGGGGCACA[C>T]AGGACAGATTCAAAGGCAACAAATTCTTGAAAAGATATTAATCTGCAACATAAAACAAAC-3'
Protein context (NP_055066.1, residues 75-95): FQEFVAFESV[Leu85=]CAPDALFMVA

ClinVar aggregate classification (germline): Likely benign. Review status: criteria provided, multiple submitters, no conflicts (2 of 4 stars). 2 submissions from 2 submitters: Likely benign (2). Last evaluated 2026-09-12.

Conditions:
Citrin deficiency. Identifiers: Orphanet 247582, MedGen C1997910, MONDO:0016602.
SLC25A13-related disorder. Also called: SLC25A13-related condition.

Allele frequency attached by ClinVar (database versions not stated): gnomAD 0.00001; ExAC 0.00002; gnomAD exomes 0.00004; TOPMed 0.00005.
gnomAD v4.1: 12 of 1,613,802 alleles (0.00074%); highest among the groups gnomAD compares: East Asian, 0.02%; no homozygotes.

Submissions (2):

PreventionGenetics, part of Exact Sciences
Classification: Likely benign for SLC25A13-related condition. Last evaluated: 2026-09-12. Review status: criteria provided, single submitter. Criteria: ACMG Guidelines, 2015. Collection method: clinical testing. Allele origin: germline.
Comment: This variant is classified as likely benign based on ACMG/AMP sequence variant interpretation guidelines (Richards et al. 2015 PMID: 25741868, with internal and published modifications).

Labcorp Genetics (formerly Invitae), Labcorp
Classification: Likely benign for Citrin deficiency. Last evaluated: 2025-01-17. Review status: criteria provided, single submitter. Criteria: Invitae Variant Classification Sherloc (09022015). Collection method: clinical testing. Allele origin: germline.